The following is an entry in ClinVar:

NM_000053.4(ATP7B):c.1947-2_1963del

Gene: ATP7B (ATPase copper transporting beta; minus strand). Cytogenetic location: 13q14.3.
Variant type: Deletion.
Coding change: c.1947-2_1963del on transcript NM_000053.4 (MANE Select); the canonical splice acceptor site of the intron before coding-DNA position 1947 through coding-DNA position 1963, 19 bases deleted (AGGTGGAAGAAGTCTTTCC).
Molecular consequence: splice acceptor variant. On other transcripts: intron variant (13).
Genome position (GRCh38, 1-based): chr13:51,960,306-51,960,324, GGAAAGACTTCTTCCACCT deleted on the plus strand (AGGTGGAAGAAGTCTTTCC on the coding strand, the reverse complement: ATP7B is on the minus strand); deleting any 19 consecutive bases within chr13:51,960,306-51,960,330 gives the same sequence; the c. name uses the placement nearest the transcript's 3' end. VCF-style (leftmost placement, unchanged base first): chr13-51960305-AGGAAAGACTTCTTCCACCT-A. GRCh37 (hg19) VCF-style: chr13-52534441-AGGAAAGACTTCTTCCACCT-A.
Other names: c.1947-2_1963del (NM_001406519.1, NM_001406515.1, NM_001406525.1 and 16 more transcripts); c.1851-2_1867del (NM_001406518.1, NM_001406536.1, NM_001406530.1 and 1 more transcripts); c.1518-2_1534del (NM_001406539.1); c.1774-2717_1774-2699del (NM_001406544.1); c.1870-1780_1870-1762del (NM_001406540.1, NM_001330579.2, NM_001406531.1 and 1 more transcripts); c.1870-2717_1870-2699del (NM_001406541.1, NM_001005918.3, NM_001406546.1 and 1 more transcripts); c.1774-1780_1774-1762del (NM_001406543.1); c.1614-2_1630del (NM_001243182.2); and 3 more.
Identifiers: ClinVar variation 4731557 (VCV004731557.1).

ClinVar aggregate classification (germline): Pathogenic (1 of 4 stars; one submission).

Conditions:
Wilson disease (WND). Also called: Wilson's disease. Identifiers: Orphanet 905, MedGen C0019202, MONDO:0010200, OMIM 277900. Disease mechanism: loss of function.

Submission:

Labcorp Genetics (formerly Invitae), Labcorp
Classification: Pathogenic for Wilson disease. Last evaluated: 2026-01-05. Review status: criteria provided, single submitter. Criteria: Invitae Variant Classification Sherloc (09022015). Collection method: clinical testing. Allele origin: germline.
Comment: This variant results in the deletion of part of exon 7 (c.1947-2_1963del) of the ATP7B gene. It is expected to disrupt RNA splicing. Variants that disrupt the donor or acceptor splice site typically lead to a loss of protein function (PMID: 16199547), and loss-of-function variants in ATP7B are known to be pathogenic (PMID: 10441329, 16283883). This variant is not present in population databases (gnomAD no frequency). This variant has been observed in individual(s) with Wilson disease (internal data). In at least one individual the data is consistent with being in trans (on the opposite chromosome) from a pathogenic variant. For these reasons, this variant has been classified as Pathogenic.

Literature cited by the submitters: PubMed 16199547; PubMed 10441329; PubMed 16283883.